The following is an entry in ClinVar:

ClinVar aggregate classification (germline): Uncertain significance (1 of 4 stars; one submission).

Conditions:
Pulmonary hypertension, primary, 2. Identifiers: Orphanet 422, MedGen C3888002, MONDO:0014134, OMIM 615342.

Allele frequency attached by ClinVar (database versions not stated): gnomAD 0.00001; gnomAD exomes 0.00001; ExAC 0.00002.

Submission:

MGZ Medical Genetics Center
Classification: Uncertain significance for Pulmonary hypertension, primary, 2. Last evaluated: 2021-09-30. Review status: criteria provided, single submitter. Criteria: ACMG Guidelines, 2015. Collection method: clinical testing. Allele origin: germline. Affected: yes. Observed: 1 variant allele.
Comment: ACMG criteria applied: PVS1_MOD, PM2_SUP

NM_001127217.3(SMAD9):c.1197_1198insA (p.His400fs)

Gene: SMAD9 (SMAD family member 9; minus strand). Cytogenetic location: 13q13.3.
Variant type: Insertion.
Coding change: c.1197_1198insA on transcript NM_001127217.3 (MANE Select); coding-DNA positions 1197 to 1198, A inserted.
Protein change: p.His400fs; shifts the reading frame from histidine 400.
Molecular consequence: frameshift variant.
Genome position: GRCh38 VCF-style: chr13-36853481-G-GT. GRCh37 (hg19) VCF-style: chr13-37427618-G-GT.
Other names: c.1086_1087insA, p.His363fs (NM_001378621.1, NM_005905.6); short protein forms H363fs, H400fs.
Identifiers: ClinVar variation 1709994 (VCV001709994.2), dbSNP rs781714418, ClinGen allele CA6950360.